The following is an entry in ClinVar:

ClinVar aggregate classification (germline): Uncertain significance (1 of 4 stars; one submission).

Conditions:
Pigmented nodular adrenocortical disease, primary, 2 (PPNAD2). Also called: CUSHING SYNDROME, ADRENAL, DUE TO PPNAD2; PIGMENTED MICRONODULAR ADRENOCORTICAL DISEASE, PRIMARY, 2. Identifiers: Orphanet 189439, MedGen C1864851, MONDO:0012505, OMIM 610475.

Submission:

Laboratorio de Genetica e Diagnostico Molecular, Hospital Israelita Albert Einstein
Classification: Uncertain significance for Pigmented nodular adrenocortical disease, primary, 2. Last evaluated: 2024-09-24. Review status: criteria provided, single submitter. Criteria: ACMG Guidelines, 2015. Collection method: clinical testing. Allele origin: germline. Affected: yes.
Comment: ACMG classification criteria: PM2 supporting

NM_016953.4(PDE11A):c.2052del (p.Gln686fs)

Genes: PDE11A (phosphodiesterase 11A; minus strand), PDE11A-AS1 (PDE11A antisense RNA 1; plus strand). Cytogenetic location: 2q31.2.
Variant type: Deletion.
Coding change: c.2052del on transcript NM_016953.4 (MANE Select); coding-DNA position 2052, one base deleted (G; older notation c.2052delG).
Protein change: p.Gln686fs; shifts the reading frame from glutamine 686.
Molecular consequence: frameshift variant.
Genome position (GRCh38, 1-based): chr2:177,711,870, C deleted on the plus strand (G on the coding strand, the reverse complement: PDE11A is on the minus strand); the first of 3 consecutive C bases (chr2:177,711,870-177,711,872); deleting any one gives the same sequence. VCF-style (leftmost placement, unchanged base first): chr2-177711869-AC-A. GRCh37 (hg19) VCF-style: chr2-178576597-AC-A.
Other names: c.720del, p.Gln242fs (NM_001077196.2); c.1302del, p.Gln436fs (NM_001077197.2); c.978del, p.Gln328fs (NM_001077358.2); short protein forms Q242fs, Q328fs, Q436fs, Q686fs.
Identifiers: ClinVar variation 4056704 (VCV004056704.1).
Genomic context (GRCh38, chr2:177,711,869, plus strand): 5'-CATGACACAGGCATCCCACAATCACCGCTAAAATTTCCACCTCGGTCAGAATGTCTTGAA[AC>A]CCAGCAGTCTGGGAAGAAGGGGAAAATGGCAACAGTCACTACTGGGGTACGGAGGATGGA-3'